The following is an entry in ClinVar:

NM_001385641.1(SAMD11):c.1796del (p.Gly599fs)

Gene: SAMD11 (sterile alpha motif domain containing 11; plus strand). Cytogenetic location: 1p36.33.
Variant type: Deletion.
Coding change: c.1796del on transcript NM_001385641.1 (MANE Select); coding-DNA position 1796, one base deleted (G; older notation c.1796delG).
Protein change: p.Gly599fs; shifts the reading frame from glycine 599.
Molecular consequence: frameshift variant.
Genome position (GRCh38, 1-based): chr1:942,801, G deleted; the last of 6 consecutive G bases (chr1:942,796-942,801); deleting any one gives the same sequence. VCF-style (leftmost placement, unchanged base first): chr1-942795-AG-A. GRCh37 (hg19) VCF-style: chr1-878175-AG-A.
Other names: c.1799del, p.Gly600fs (NM_001385640.1); c.1307del, p.Gly436fs (NM_152486.4); short protein forms G436fs, G599fs, G600fs.
Identifiers: ClinVar variation 1375300 (VCV001375300.6), dbSNP rs990506215, ClinGen allele CA2573131909.
Genomic context (GRCh38, chr1:942,795, plus strand): 5'-GGCCCCCGGGCTCCGGACCCCCCACCCCGTCCCGGGACTCTGCCCGGCGAGCCCCCCGGA[AG>A]GGGGGTCCCGGCCCTGCCTCAGCGCGGCCCAGCGAGTCCAAGGAGATGACGGGGGCTAGG-3'

ClinVar aggregate classification (germline): Uncertain significance (1 of 4 stars; one submission).

Submission:

Labcorp Genetics (formerly Invitae), Labcorp
Classification: Uncertain significance. Last evaluated: 2021-10-10. Review status: criteria provided, single submitter. Criteria: Invitae Variant Classification Sherloc (09022015). Collection method: clinical testing. Allele origin: germline.
Comment: This sequence change creates a premature translational stop signal (p.Gly436Valfs*15) in the SAMD11 gene. It is expected to result in an absent or disrupted protein product. However, the current clinical and genetic evidence is not sufficient to establish whether loss-of-function variants in SAMD11 cause disease. The frequency data for this variant in the population databases is considered unreliable, as metrics indicate insufficient coverage at this position in the ExAC database. In summary, the available evidence is currently insufficient to determine the role of this variant in disease. Therefore, it has been classified as a Variant of Uncertain Significance. This variant has not been reported in the literature in individuals affected with SAMD11-related conditions.